The following continues an entry in ClinVar:

NM_000891.3(KCNJ2):c.652C>T (p.Arg218Trp)

Gene: KCNJ2. ClinVar aggregate classification (germline): Pathogenic/Likely pathogenic. Pathogenic (11); Likely pathogenic (1).

Submissions 14 to 17 of 17:

Cardiovascular Biomedical Research Unit, Royal Brompton & Harefield NHS Foundation Trust
No classification provided. Condition: Familial long QT syndrome. Review status: no classification provided. Collection method: literature only. Allele origin: germline. Not counted in ClinVar's aggregate classification.
Comment: This variant has been reported in the following publications (PMID:11371347;PMID:12163457;PMID:12796536;PMID:15852530;PMID:16217063;PMID:17074642;PMID:17119796;PMID:17221872;PMID:17399642;PMID:18554214;PMID:20647529).

Clinical Genetics, Academic Medical Center
Classification: Pathogenic. Review status: no assertion criteria provided. Collection method: clinical testing. Allele origin: germline. Affected: yes. Study: VKGL Data-share Consensus. Not counted in ClinVar's aggregate classification.

GeneReviews
No classification provided. Condition: Andersen Tawil syndrome. Review status: no classification provided. Collection method: literature only. Allele origin: germline. Not counted in ClinVar's aggregate classification.

Joint Genome Diagnostic Labs from Nijmegen and Maastricht, Radboudumc and MUMC+
Classification: Pathogenic. Review status: no assertion criteria provided. Collection method: clinical testing. Allele origin: germline. Affected: yes. Study: VKGL Data-share Consensus. Not counted in ClinVar's aggregate classification.

Literature cited by the submitters: PubMed 12796536 (cited by 3 submitters); PubMed 17119796 (cited by 4 submitters); PubMed 17221872 (cited by 4 submitters); PubMed 22589293 (cited by 3 submitters); PubMed 12909315 (cited by 3 submitters); PubMed 17568571 (cited by Labcorp Genetics (formerly Invitae), Labcorp); PubMed 11371347 (cited by 5 submitters); PubMed 25415519 (cited by Ambry Genetics and Athena Diagnostics); PubMed 28024840 (cited by Ambry Genetics and Athena Diagnostics); PubMed 35460302 (cited by Ambry Genetics); DOI 10.1038/gim.2015.30 (cited by Genetics Laboratory, Department of Biology, Semnan University); PubMed 28501311 (cited by Athena Diagnostics); PubMed 23631430 (cited by Athena Diagnostics); PubMed 20647529 (cited by Athena Diagnostics and Cardiovascular Biomedical Research Unit, Royal Brompton & Harefield NHS Foundation Trust); PubMed 18554214 (cited by Athena Diagnostics and Cardiovascular Biomedical Research Unit, Royal Brompton & Harefield NHS Foundation Trust); PubMed 24211314 (cited by Athena Diagnostics); PubMed 26937109 (cited by Athena Diagnostics); PubMed 12163457 (cited by Cardiovascular Biomedical Research Unit, Royal Brompton & Harefield NHS Foundation Trust); PubMed 15852530 (cited by Cardiovascular Biomedical Research Unit, Royal Brompton & Harefield NHS Foundation Trust); PubMed 16217063 (cited by Cardiovascular Biomedical Research Unit, Royal Brompton & Harefield NHS Foundation Trust and GeneReviews); PubMed 17074642 (cited by Cardiovascular Biomedical Research Unit, Royal Brompton & Harefield NHS Foundation Trust and GeneReviews); PubMed 17399642 (cited by Cardiovascular Biomedical Research Unit, Royal Brompton & Harefield NHS Foundation Trust); PubMed 22581653 (cited by Cardiovascular Biomedical Research Unit, Royal Brompton & Harefield NHS Foundation Trust).